The following continues an entry in ClinVar:

NM_000057.4(BLM):c.2695C>T (p.Arg899Ter)

Gene: BLM. ClinVar aggregate classification (germline): Pathogenic. Pathogenic (19).

Submissions 13 to 24 of 24:

Sema4
Classification: Pathogenic for Hereditary cancer-predisposing syndrome. Last evaluated: 2022-01-06. Review status: criteria provided, single submitter. Criteria: Sema4 Curation Guidelines. Collection method: curation. Allele origin: germline.
Comment: The BLM c.2695C>T (p.R899X) variant has been reported as homozygous and compound heterozygous in at least ten individuals with Bloom syndrome (PMID: 17407155, 29453417). It has been reported in heterozygosity in individuals with colorectal cancer (PMID: 27356891, 26358404), breast cancer (23028338, 34117267), as well as other cancer types (PMID: 26689913, 31263571). This nonsense variant creates a premature stop codon at residue 899 of the BLM protein. At this location, this variant is predicted to cause loss of normal protein function either through protein truncation or nonsense-mediated mRNA decay. Loss of function of the BLM gene is an established disease mechanism (PMID: 17407155). It was observed in 18/129154 chromosomes of the Non-Finnish European subpopulation, with no homozygotes, in the large and broad cohorts of the Genome Aggregation Database (PMID: 32461654). The variant has been reported in ClinVar (Variation ID 127491). Based on the current evidence available, this variant is interpreted as pathogenic.

Revvity Omics, Revvity
Classification: Pathogenic for Bloom syndrome. Last evaluated: 2019-03-28. Review status: criteria provided, single submitter. Criteria: ACMG Guidelines, 2015. Collection method: clinical testing. Allele origin: germline.

Fulgent Genetics
Classification: Pathogenic for Bloom syndrome. Last evaluated: 2018-10-31. Review status: criteria provided, single submitter. Criteria: ACMG Guidelines, 2015. Collection method: clinical testing. Allele origin: unknown.

Women's Health and Genetics/Laboratory Corporation of America, LabCorp
Classification: Pathogenic for Bloom syndrome. Last evaluated: 2018-04-23. Review status: criteria provided, single submitter. Criteria: LabCorp Variant Classification Summary - May 2015. Collection method: clinical testing. Allele origin: germline.
Comment: Variant summary: BLM c.2695C>T (p.Arg899X) results in a premature termination codon, predicted to cause a truncation of the encoded protein or absence of the protein due to nonsense mediated decay, which are commonly known mechanisms for disease. The variant allele was found at a frequency of 6.6e-05 in 121404 control chromosomes. This frequency is not significantly higher than expected for a pathogenic variant in BLM causing Bloom Syndrome (6.6e-05 vs 0.0035), allowing no conclusion about variant significance. c.2695C>T has been reported in the literature in multiple individuals affected with Bloom Syndrome, in both the homozygous and heterozygous state (Classen_2013, German_2007). These data indicate that the variant is very likely to be associated with disease. To our knowledge, no experimental evidence demonstrating an impact on protein function has been reported. Two clinical diagnostic laboratories have submitted clinical-significance assessments for this variant to ClinVar after 2014 without evidence for independent evaluation. All laboratories classified the variant as pathogenic. Based on the evidence outlined above, the variant was classified as pathogenic.

Eurofins Ntd Llc (ga)
Classification: Pathogenic. Last evaluated: 2017-09-22. Review status: criteria provided, single submitter. Criteria: EGL Classification Definitions 2015. Collection method: clinical testing. Allele origin: germline. Observed: 1 variant allele, 1 heterozygote.

Illumina Laboratory Services, Illumina
Classification: Pathogenic for Bloom syndrome. Last evaluated: 2017-04-28. Review status: criteria provided, single submitter. Criteria: ICSL Variant Classification Criteria 09 May 2019. Collection method: clinical testing. Allele origin: germline.
Comment: The BLM c.2695C>T (p.Arg899Ter) variant is a stop-gained variant that has been reported in two studies in which it is found in a total of ten patients with Bloom syndrome, including three homozygotes, one compound heterozygote, and six heterozygotes (German et al. 2007; Classen et al. 2013). In one study, the p.Arg899Ter variant was shown to be inherited from an unaffected father (Classen et al. 2013). In addition, the p.Arg899Ter variant has also been reported in a heterozygous state in two individuals with colorectal cancer and in one individual with breast cancer (Thompson et al. 2012; de Voer et al. 2015). The p.Arg899Ter variant was absent from 996 controls, but is reported at a frequency of 0.00012 in the European (non-Finnish) population of the Exome Aggregation Consortium. Based on the collective evidence and the potential impact of stop-gained variants, the p.Arg899Ter variant is classified as pathogenic for Bloom syndrome. This variant was observed by ICSL as part of a predisposition screen in an ostensibly healthy population.

Neuberg Centre For Genomic Medicine, NCGM
Classification: Pathogenic for Bloom syndrome. Review status: criteria provided, single submitter. Criteria: ACMG Guidelines, 2015. Collection method: clinical testing. Allele origin: germline. Inheritance: Autosomal recessive inheritance. Affected: yes.
Comment: The stop gained p.R899* in BLM (NM_000057.4) has been reported as a recurrent mutation observed as homozygous and compound heterozygous in individuals with Bloom syndrome (German J et al). It has also been reported in individuals with breast cancer (Thompson ER et al) and colon cancer (de Voer RM et al). The p.R899* variant is observed in 16/1,13,728 (0.0141%) alleles from individuals of European (Non-Finnish) background in gnomAD Exomes and is novel (not in any individuals) in 1000 Genomes. The has been reported to ClinVar as Pathogenic/Likely Pathogenic. This variant is predicted to cause loss of normal protein function through protein truncation. For these reasons, this variant has been classified as Pathogenic.

Counsyl
Classification: Likely pathogenic for Bloom syndrome. Last evaluated: 2014-06-20. Review status: no assertion criteria provided. Collection method: literature only. Allele origin: unknown. Inheritance: Autosomal recessive inheritance. Not counted in ClinVar's aggregate classification.

Clinical Genetics DNA and cytogenetics Diagnostics Lab, Erasmus MC, Erasmus Medical Center
Classification: Pathogenic. Review status: no assertion criteria provided. Collection method: clinical testing. Allele origin: germline. Affected: yes. Study: VKGL Data-share Consensus. Not counted in ClinVar's aggregate classification.

Genome Diagnostics Laboratory, Amsterdam University Medical Center
Classification: Pathogenic. Review status: no assertion criteria provided. Collection method: clinical testing. Allele origin: germline. Affected: yes. Study: VKGL Data-share Consensus. Not counted in ClinVar's aggregate classification.

Genome Diagnostics Laboratory, University Medical Center Utrecht
Classification: Pathogenic. Review status: no assertion criteria provided. Collection method: clinical testing. Allele origin: germline. Affected: yes. Study: VKGL Data-share Consensus. Not counted in ClinVar's aggregate classification.

Joint Genome Diagnostic Labs from Nijmegen and Maastricht, Radboudumc and MUMC+
Classification: Pathogenic. Review status: no assertion criteria provided. Collection method: clinical testing. Allele origin: germline. Affected: yes. Study: VKGL Data-share Consensus. Not counted in ClinVar's aggregate classification.

Literature cited by the submitters: PubMed 17407155 (cited by 9 submitters); PubMed 23028338 (cited by 6 submitters); PubMed 23552953 (cited by 6 submitters); PubMed 26358404 (cited by 5 submitters); PubMed 27356891 (cited by 3 submitters); PubMed 32449991 (cited by GeneKor MSA and Ambry Genetics); PubMed 29098565 (cited by GeneKor MSA and Ambry Genetics); PubMed 29753700 (cited by Ambry Genetics); PubMed 29453417 (cited by Sema4); PubMed 26689913 (cited by Sema4); PubMed 31263571 (cited by Sema4); PubMed 10965492 (cited by Counsyl); PubMed 17878217 (cited by Counsyl).